The following is an entry in ClinVar:

ClinVar aggregate classification (germline): Conflicting classifications of pathogenicity. Review status: criteria provided, conflicting classifications (1 of 4 stars). 5 submissions from 5 submitters: Uncertain significance (2); Likely benign (3). Last evaluated 2024-06-07.

Conditions:
Breast-ovarian cancer, familial, susceptibility to, 2 (BROVCA2). Also called: BRCA2 Hereditary Breast and Ovarian Cancer. Identifiers: Orphanet 145, MedGen C2675520, MONDO:0012933, OMIM 612555. Disease mechanism: loss of function.
Hereditary cancer-predisposing syndrome. Also called: Hereditary Cancer Syndrome; Hereditary neoplastic syndrome; Tumor predisposition; Neoplastic Syndromes, Hereditary. Identifiers: Orphanet 140162, MedGen C0027672, MeSH D009386, MONDO:0015356.
Hereditary breast ovarian cancer syndrome. Also called: Hereditary breast and ovarian cancer syndrome; BRCA1- and BRCA2-Associated Hereditary Breast and Ovarian Cancer; Hereditary breast and ovarian cancer syndrome (HBOC); Hereditary breast and/or ovarian cancer syndrome; Hereditary breast and ovarian cancer; Breast and ovarian cancer. Identifiers: Orphanet 145, MedGen C0677776, MeSH D061325, MONDO:0003582. Disease mechanism: loss of function.

gnomAD v4.1: 3 of 1,610,396 alleles (0.00019%); highest among the groups gnomAD compares: Non-Finnish European, 0.00025%; no homozygotes.

Submissions (5):

Molecular Pathology, Peter Maccallum Cancer Centre
Classification: Likely benign for Breast-ovarian cancer, familial, susceptibility to, 2. Last evaluated: 2024-06-07. Review status: criteria provided, single submitter. Criteria: ACMG Guidelines, 2015. Collection method: clinical testing. Allele origin: germline. Inheritance: Autosomal dominant inheritance.

University of Washington Department of Laboratory Medicine, University of Washington
Classification: Likely benign for Hereditary cancer-predisposing syndrome. Last evaluated: 2023-03-23. Review status: criteria provided, single submitter. Criteria: Dines et al. (Genet Med. 2020). Collection method: curation. Allele origin: germline.
Comment: Missense variant in a coldspot region where missense variants are very unlikely to be pathogenic (PMID:31911673).

BRCA2 exon 11 coldspot. Reclassification based on statistical prior probability.

Labcorp Genetics (formerly Invitae), Labcorp
Classification: Uncertain significance for Hereditary breast ovarian cancer syndrome. Last evaluated: 2022-08-20. Review status: criteria provided, single submitter. Criteria: Invitae Variant Classification Sherloc (09022015). Collection method: clinical testing. Allele origin: germline.
Comment: In summary, the available evidence is currently insufficient to determine the role of this variant in disease. Therefore, it has been classified as a Variant of Uncertain Significance. Advanced modeling of protein sequence and biophysical properties (such as structural, functional, and spatial information, amino acid conservation, physicochemical variation, residue mobility, and thermodynamic stability) performed at Invitae indicates that this missense variant is not expected to disrupt BRCA2 protein function. ClinVar contains an entry for this variant (Variation ID: 441502). This variant has not been reported in the literature in individuals affected with BRCA2-related conditions. This variant is not present in population databases (gnomAD no frequency). This sequence change replaces phenylalanine, which is neutral and non-polar, with leucine, which is neutral and non-polar, at codon 1870 of the BRCA2 protein (p.Phe1870Leu).

National Health Laboratory Service, Universitas Academic Hospital and University of the Free State
Classification: Likely benign for Hereditary breast ovarian cancer syndrome. Last evaluated: 2021-11-16. Review status: criteria provided, single submitter. Criteria: ACMG Guidelines, 2015. Collection method: clinical testing. Allele origin: germline. Affected: yes. Observed: 2 variant alleles.

Ambry Genetics
Classification: Uncertain significance for Hereditary cancer-predisposing syndrome. Last evaluated: 2016-10-11. Review status: criteria provided, single submitter. Criteria: Ambry Variant Classification Scheme 2023. Collection method: clinical testing. Allele origin: germline.
Comment: The p.F1870L variant (also known as c.5610C>G or 5838C>G), located in coding exon 10 of the BRCA2 gene, results from a C to G substitution at nucleotide position 5610. The phenylalanine at codon 1870 is replaced by leucine, an amino acid with highly similar properties. This variant was not reported in population based cohorts in the following databases: Database of Single Nucleotide Polymorphisms (dbSNP), NHLBI Exome Sequencing Project (ESP), and 1000 Genomes Project. In the ESP, this variant was not observed in 6502 samples (13004 alleles) with coverage of 6502 at this position. To date, this alteration has been detected with an allele frequency of approximately 0.0007% (greater than 300000 alleles tested) in our clinical cohort. This amino acid position is poorly conserved in available vertebrate species. In addition, this alteration is predicted to be tolerated by in silico analysis. Since supporting evidence is limited at this time, the clinical significance of this alteration remains unclear.

Literature cited by the submitters: DOI 10.3389/fgene.2022.834265 (cited by National Health Laboratory Service, Universitas Academic Hospital and University of the Free State).

NM_000059.4(BRCA2):c.5610C>G (p.Phe1870Leu)

Gene: BRCA2 (BRCA2 DNA repair associated; plus strand). Cytogenetic location: 13q13.1.
Variant type: single nucleotide variant.
Coding change: c.5610C>G on transcript NM_000059.4 (MANE Select); coding-DNA position 5610, C replaced by G.
Protein change: p.Phe1870Leu; replaces phenylalanine 1870 with leucine.
Molecular consequence: missense variant.
Genome position (GRCh38, 1-based): chr13:32,339,965, C>G. VCF-style: chr13-32339965-C-G. GRCh37 (hg19) VCF-style: chr13-32914102-C-G.
Other names: NP_000050.3:p.Phe1870Leu; short protein forms F1870L.
Identifiers: ClinVar variation 441502 (VCV000441502.29), dbSNP rs1060504598, ClinGen allele CA387786084.